The following is an entry in ClinVar:

NM_019042.5(PUS7):c.1935G>A (p.Met645Ile)

Gene: PUS7 (pseudouridine synthase 7; minus strand). Cytogenetic location: 7q22.3.
Variant type: single nucleotide variant.
Coding change: c.1935G>A on transcript NM_019042.5 (MANE Select); coding-DNA position 1935, G replaced by A.
Protein change: p.Met645Ile; replaces methionine 645 with isoleucine.
Molecular consequence: missense variant.
Genome position (GRCh38, 1-based): chr7:105,457,841, C>T on the plus strand (G>A on the coding strand, the complement: PUS7 is on the minus strand). VCF-style: chr7-105457841-C-T. GRCh37 (hg19) VCF-style: chr7-105098288-C-T.
Other names: c.1953G>A, p.Met651Ile (NM_001318163.1); c.1935G>A, p.Met645Ile (NM_001318164.2); short protein forms M645I, M651I.
Identifiers: ClinVar variation 1329591 (VCV001329591.2), dbSNP rs2133008651, ClinGen allele CA368785040.
Genomic context (GRCh38, chr7:105,457,841, plus strand): 5'-AGGTACTGCTCAGCGAAGCCAGGTTGTATTCAGCTGCGTCTGGTTCTTGATACTGGTATC[C>T]ATTTTTAGCACTTCTCGAATGGCCATGGTGGCGTAAGTAGAAGGGGGTAGAGAAAAATCC-3'
Protein context (NP_061915.2, residues 635-655): ATMAIREVLK[Met645Ile]DTSIKNQTQL

ClinVar aggregate classification (germline): Uncertain significance (1 of 4 stars; one submission).

Submission:

GeneDx
Classification: Uncertain significance. Last evaluated: 2021-06-25. Review status: criteria provided, single submitter. Criteria: GeneDx Variant Classification Process June 2021. Collection method: clinical testing. Allele origin: germline. Affected: yes.
Comment: Not observed at significant frequency in large population cohorts (Lek et al., 2016); In silico analysis supports that this missense variant does not alter protein structure/function; Has not been previously published as pathogenic or benign to our knowledge; This variant is associated with the following publications: (PMID: 27535533)